The following is an entry in ClinVar:

ClinVar aggregate classification (germline): Pathogenic. Review status: reviewed by expert panel (3 of 4 stars). 6 submissions from 6 submitters: Pathogenic (1). 5 of the submissions do not count toward it. Last evaluated 2016-10-18.

Conditions:
Hereditary cancer-predisposing syndrome. Also called: Neoplastic Syndromes, Hereditary; Tumor predisposition; Hereditary neoplastic syndrome; Hereditary Cancer Syndrome. Identifiers: Orphanet 140162, MedGen C0027672, MeSH D009386, MONDO:0015356.
Hereditary breast ovarian cancer syndrome. Also called: Hereditary breast and ovarian cancer syndrome; Hereditary breast and ovarian cancer; Hereditary breast and ovarian cancer syndrome (HBOC); Breast and ovarian cancer; Hereditary breast and/or ovarian cancer syndrome; BRCA1- and BRCA2-Associated Hereditary Breast and Ovarian Cancer. Identifiers: Orphanet 145, MedGen C0677776, MeSH D061325, MONDO:0003582. Disease mechanism: loss of function.
Breast-ovarian cancer, familial, susceptibility to, 2 (BROVCA2). Also called: BRCA2 Hereditary Breast and Ovarian Cancer. Identifiers: Orphanet 145, MedGen C2675520, MONDO:0012933, OMIM 612555. Disease mechanism: loss of function.

Submissions (6):

Evidence-based Network for the Interpretation of Germline Mutant Alleles (ENIGMA)
Classification: Pathogenic for Breast-ovarian cancer, familial, susceptibility to, 2. Last evaluated: 2016-10-18. Review status: reviewed by expert panel. Criteria: ENIGMA BRCA1/2 Classification Criteria (2015). Collection method: curation. Allele origin: germline.
Comment: Variant allele predicted to encode a truncated non-functional protein.

Labcorp Genetics (formerly Invitae), Labcorp
Classification: Pathogenic for Hereditary breast ovarian cancer syndrome. Last evaluated: 2022-02-24. Review status: criteria provided, single submitter. Criteria: Invitae Variant Classification Sherloc (09022015). Collection method: clinical testing. Allele origin: germline. Not counted in ClinVar's aggregate classification.
Comment: This premature translational stop signal has been observed in individual(s) with breast and/or ovarian cancer (PMID: 19619314, 21120943, 24961674, 26852015). For these reasons, this variant has been classified as Pathogenic. ClinVar contains an entry for this variant (Variation ID: 52073). This variant is not present in population databases (gnomAD no frequency). This sequence change creates a premature translational stop signal (p.Ser2120*) in the BRCA2 gene. It is expected to result in an absent or disrupted protein product. Loss-of-function variants in BRCA2 are known to be pathogenic (PMID: 20104584).

Ambry Genetics
Classification: Pathogenic for Hereditary cancer-predisposing syndrome. Last evaluated: 2020-03-20. Review status: criteria provided, single submitter. Criteria: Ambry Variant Classification Scheme 2023. Collection method: clinical testing. Allele origin: germline. Not counted in ClinVar's aggregate classification.
Comment: The p.S2120* pathogenic mutation (also known as c.6359C>G), located in coding exon 10 of the BRCA2 gene, results from a C to G substitution at nucleotide position 6359. This changes the amino acid from a serine to a stop codon within coding exon 10. This alteration has been associated with personal and family history of breast and ovarian cancer in multiple studies (Palomba G et al. BMC Cancer, 2009 Jul;9:245; Cao WM et al. BMC Cancer, 2015 Feb;16:64; Rebbeck TR et al. Hum. Mutat., 2018 05;39:593-620; Shi T et al. Int. J. Cancer, 2017 05;140:2051-2059). Of note, this alteration is also designated as 6586C>G in the published literature. In addition to the clinical data presented in the literature, this alteration is expected to result in loss of function by premature protein truncation or nonsense-mediated mRNA decay. As such, this alteration is interpreted as a disease-causing mutation.

GeneDx
Classification: Pathogenic. Last evaluated: 2017-06-21. Review status: criteria provided, single submitter. Criteria: GeneDx Variant Classification (06012015). Collection method: clinical testing. Allele origin: germline. Affected: yes. Not counted in ClinVar's aggregate classification.
Comment: This variant is denoted BRCA2 c.6359C>G at the cDNA level and p.Ser2120Ter (S2120X) at the proteinlevel. The substitution creates a nonsense variant, which changes a Serine to a premature stop codon (TCA>TGA),and is predicted to cause loss of normal protein function through either protein truncation or nonsense-mediated mRNAdecay. This variant has been reported in families with breast and/or ovarian cancer (Caux-Moncoutier 2011, Li 2014,Cao 2016) and is considered pathogenic

Consortium of Investigators of Modifiers of BRCA1/2 (CIMBA), c/o University of Cambridge
Classification: Pathogenic for Breast-ovarian cancer, familial, susceptibility to, 2. Last evaluated: 2015-10-02. Review status: criteria provided, single submitter. Criteria: CIMBA Mutation Classification guidelines May 2016. Collection method: clinical testing. Allele origin: germline. Not counted in ClinVar's aggregate classification.

Department of Pathology and Laboratory Medicine, Sinai Health System
Classification: Pathogenic for Breast-ovarian cancer, familial, susceptibility to, 2. Review status: no assertion criteria provided. Collection method: clinical testing. Allele origin: unknown. Affected: yes. Study: The Canadian Open Genetics Repository (COGR). Not counted in ClinVar's aggregate classification.
Comment: The BRCA2 p.Ser2120X variant was identified in 3 of 4012 proband chromosomes (frequency: 0.0007) from Italian, Chinese and French individuals or families with familial breast and/or ovarian cancers (Palomba 2009, Cao 2016, Caux-Moncoutier 2011). The variant was also identified in dbSNP (ID: rs397507845) â€šÃ„ÃºWith Pathogenic alleleâ€šÃ„Ã¹, ClinVar (classified pathogenic, reviewed by an expert panel (Oct 2016); submitters ENIGMA and CIMBA, and classification not provided by Invitae), Clinvitae (1x), LOVD 3.0 (1x), UMD-LSDB (1x as 5 causal), and ARUP Laboratories (5-definitely pathogenic),. The variant was not identified in Genesight-COGR, Cosmic, MutDB, BIC Database, Zhejiang Colon Cancer Database, the 1000 Genomes Project, the NHLBI GO Exome Sequencing Project or the Exome Aggregation Consortium (August 8th 2016) control databases. The p.Ser2120X variant leads to a premature stop codon at position 2120, which is predicted to lead to a truncated or absent protein and loss of function. Loss of function variants of the BRCA2 gene are an established mechanism of disease in hereditary breast and ovarian cancer and is the type of variant expected to cause the disorder. In summary, based on the above information, this variant meets our laboratoryâ€šÃ„Ã´s criteria to be classified as pathogenic.

Literature cited by the submitters: PubMed 19619314 (cited by Labcorp Genetics (formerly Invitae), Labcorp and Ambry Genetics); PubMed 21120943 (cited by Labcorp Genetics (formerly Invitae), Labcorp); PubMed 24961674 (cited by Labcorp Genetics (formerly Invitae), Labcorp); PubMed 26852015 (cited by Labcorp Genetics (formerly Invitae), Labcorp and Ambry Genetics); PubMed 20104584 (cited by Labcorp Genetics (formerly Invitae), Labcorp); PubMed 28176296 (cited by Ambry Genetics); PubMed 29084914 (cited by Ambry Genetics); PubMed 29446198 (cited by Ambry Genetics).

NM_000059.4(BRCA2):c.6359C>G (p.Ser2120Ter)

Gene: BRCA2 (BRCA2 DNA repair associated; plus strand). Cytogenetic location: 13q13.1.
Variant type: single nucleotide variant.
Coding change: c.6359C>G on transcript NM_000059.4 (MANE Select); coding-DNA position 6359, C replaced by G.
Protein change: p.Ser2120Ter; replaces serine 2120 with a stop codon.
Molecular consequence: nonsense.
Genome position (GRCh38, 1-based): chr13:32,340,714, C>G. VCF-style: chr13-32340714-C-G. GRCh37 (hg19) VCF-style: chr13-32914851-C-G.
Other names: 6587C>G; short protein forms S2120*.
Identifiers: ClinVar variation 52073 (VCV000052073.20), dbSNP rs397507845, ClinGen allele CA023950.